The following is an entry in ClinVar:

ClinVar aggregate classification (germline): Pathogenic/Likely pathogenic. Review status: criteria provided, multiple submitters, no conflicts (2 of 4 stars). 2 submissions from 2 submitters: Pathogenic (1); Likely pathogenic (1). Last evaluated 2023-09-11.

Conditions:
Paroxysmal familial ventricular fibrillation. Also called: Idiopathic ventricular fibrillation, non Brugada type. Identifiers: Orphanet 228140, MedGen C0340493, MONDO:0100234.
Catecholaminergic polymorphic ventricular tachycardia 1. Also called: VENTRICULAR TACHYCARDIA, STRESS-INDUCED POLYMORPHIC 1; VENTRICULAR TACHYCARDIA, CATECHOLAMINERGIC POLYMORPHIC, 1, WITH OR WITHOUT ATRIAL DYSFUNCTION AND/OR DILATED CARDIOMYOPATHY; RYR2-Related Catecholaminergic Polymorphic Ventricular Tachycardia. Identifiers: Orphanet 3286, MedGen C1631597, MONDO:0011484, OMIM 604772.

Allele frequency attached by ClinVar (database versions not stated): gnomAD exomes below 0.00001; ExAC 0.00001.
gnomAD v4.1: 1 of 1,613,954 alleles (0.000062%); highest among the groups gnomAD compares: Non-Finnish European, 0.000085%; no homozygotes.

Submissions (2):

Labcorp Genetics (formerly Invitae), Labcorp
Classification: Pathogenic for Catecholaminergic polymorphic ventricular tachycardia 1. Last evaluated: 2023-09-11. Review status: criteria provided, single submitter. Criteria: Invitae Variant Classification Sherloc (09022015). Collection method: clinical testing. Allele origin: germline.
Comment: Experimental studies have shown that this missense change affects RYR2 function (PMID: 34949103). Advanced modeling of protein sequence and biophysical properties (such as structural, functional, and spatial information, amino acid conservation, physicochemical variation, residue mobility, and thermodynamic stability) performed at Invitae indicates that this missense variant is expected to disrupt RYR2 protein function. ClinVar contains an entry for this variant (Variation ID: 1009997). This missense change has been observed in individuals with autosomal dominant cardiac ryanodine receptor calcium release deficiency syndrome (PMID: 34949103; Invitae). It has also been observed to segregate with disease in related individuals. This variant is not present in population databases (gnomAD no frequency). This sequence change replaces alanine, which is neutral and non-polar, with threonine, which is neutral and polar, at codon 4142 of the RYR2 protein (p.Ala4142Thr). For these reasons, this variant has been classified as Pathogenic.

Oxford Medical Genetics Laboratories, Oxford University Hospitals NHS Foundation Trust
Classification: Likely pathogenic for Idiopathic ventricular fibrillation. Last evaluated: 2023-03-23. Review status: criteria provided, single submitter. Criteria: ACMG Guidelines, 2015. Collection method: clinical testing. Allele origin: germline. Affected: yes.

Literature cited by the submitters: PubMed 34949103 (cited by Labcorp Genetics (formerly Invitae), Labcorp and Oxford Medical Genetics Laboratories, Oxford University Hospitals NHS Foundation Trust).

NM_001035.3(RYR2):c.12424G>A (p.Ala4142Thr)

Genes: RYR2 (ryanodine receptor 2; plus strand), LOC126806068 (BRD4-independent group 4 enhancer GRCh37_chr1:237947411-237948610; plus strand). Cytogenetic location: 1q43.
Variant type: single nucleotide variant.
Coding change: c.12424G>A on transcript NM_001035.3 (MANE Select); coding-DNA position 12424, G replaced by A.
Protein change: p.Ala4142Thr; replaces alanine 4142 with threonine.
Molecular consequence: missense variant.
Genome position (GRCh38, 1-based): chr1:237,784,136, G>A. VCF-style: chr1-237784136-G-A. GRCh37 (hg19) VCF-style: chr1-237947436-G-A.
Other names: short protein forms A4142T.
Identifiers: ClinVar variation 1009997 (VCV001009997.32), dbSNP rs761834154, ClinGen allele CA085181.